The following is an entry in ClinVar:

ClinVar aggregate classification (germline): Conflicting classifications of pathogenicity. Review status: criteria provided, conflicting classifications (1 of 4 stars). 4 submissions from 4 submitters: Pathogenic (2); Uncertain significance (1). 1 of the submissions does not count toward it. Last evaluated 2026-04-03.

Conditions:
ABCA4-related disorder. Also called: ABCA4-related disorders; ABCA4-related condition. Identifiers: MedGen CN239167.

Allele frequency attached by ClinVar (database versions not stated): TOPMed 0.00004; 1000 Genomes Project 30x 0.00016; 1000 Genomes Project 0.00020; gnomAD exomes below 0.00001; ExAC 0.00001; gnomAD 0.00004.
gnomAD v4.1: 8 of 1,614,150 alleles (0.0005%); highest among the groups gnomAD compares: African/African-American, 0.011%; no homozygotes.

Submissions (4):

GeneDx
Classification: Uncertain significance. Last evaluated: 2026-04-03. Review status: criteria provided, single submitter. Criteria: GeneDx Variant Classification Process June 2021. Collection method: clinical testing. Allele origin: germline.
Comment: Identified in patients with retinal dystrophy in published literature who also had additional variant(s) in ABCA4, although segregation data was not available in some cases (PMID: 11846518, 25082885, 32913387); In silico analysis supports that this missense variant has a deleterious effect on protein structure/function; This variant is associated with the following publications: (PMID: 31964843, 34954332, 25082885, 32913387, 11846518)

Labcorp Genetics (formerly Invitae), Labcorp
Classification: Pathogenic. Last evaluated: 2025-12-15. Review status: criteria provided, single submitter. Criteria: Invitae Variant Classification Sherloc (09022015). Collection method: clinical testing. Allele origin: germline.
Comment: This sequence change replaces leucine, which is neutral and non-polar, with proline, which is neutral and non-polar, at codon 1390 of the ABCA4 protein (p.Leu1390Pro). This variant is present in population databases (rs61752430, gnomAD 0.02%). This missense change has been observed in individuals with clinical features of Stargardt disease and/or cone rod dystrophy (PMID: 11846518; internal data). ClinVar contains an entry for this variant (Variation ID: 99255). Invitae Evidence Modeling of protein sequence and biophysical properties (such as structural, functional, and spatial information, amino acid conservation, physicochemical variation, residue mobility, and thermodynamic stability) indicates that this missense variant is expected to disrupt ABCA4 protein function with a positive predictive value of 95%. For these reasons, this variant has been classified as Pathogenic.

Blueprint Genetics
Classification: Pathogenic for ABCA4-related disorders. Last evaluated: 2018-02-07. Review status: criteria provided, single submitter. Criteria: ACMG Guidelines, 2015. Collection method: clinical testing. Allele origin: germline. Affected: yes. Observed: 1 variant allele.

Retina International
No classification provided. Review status: no classification provided. Collection method: not provided. Allele origin: not provided. Not counted in ClinVar's aggregate classification.

Literature cited by the submitters: PubMed 11846518 (cited by Labcorp Genetics (formerly Invitae), Labcorp).

NM_000350.3(ABCA4):c.4169T>C (p.Leu1390Pro)

Gene: ABCA4 (ATP binding cassette subfamily A member 4; minus strand). Cytogenetic location: 1p22.1.
Variant type: single nucleotide variant.
Coding change: c.4169T>C on transcript NM_000350.3 (MANE Select); coding-DNA position 4169, T replaced by C.
Protein change: p.Leu1390Pro; replaces leucine 1390 with proline.
Molecular consequence: missense variant.
Genome position (GRCh38, 1-based): chr1:94,031,080, A>G on the plus strand (T>C on the coding strand, the complement: ABCA4 is on the minus strand). VCF-style: chr1-94031080-A-G. GRCh37 (hg19) VCF-style: chr1-94496636-A-G.
Other names: c.3947T>C, p.Leu1316Pro (NM_001425324.1); short protein forms L1390P, L1316P.
Identifiers: ClinVar variation 99255 (VCV000099255.13), dbSNP rs61752430, ClinGen allele CA227160.
Genomic context (GRCh38, chr1:94,031,080, plus strand): 5'-TATATCCAGGGGTGAAGGGTCAAAGCGGGGTATTCGCCAAAAGGAGGGATAACAATAGAA[A>G]GCATCAGAGCCAAAAACACAAAGGTAGCCGGGAGCACGATCTGTGGGAGAATAGACGTGG-3'
Protein context (NP_000341.2, residues 1380-1400): PATFVFLALM[Leu1390Pro]SIVIPPFGEY